The following is an entry in ClinVar:

ClinVar aggregate classification (germline): Uncertain significance (1 of 4 stars; one submission).

Conditions:
Hereditary spastic paraplegia. Also called: Familial spastic paraparesis. Identifiers: Orphanet 685, MedGen C0037773, MONDO:0019064. Disease mechanism: loss of function.

Submission:

Labcorp Genetics (formerly Invitae), Labcorp
Classification: Uncertain significance for Hereditary spastic paraplegia. Last evaluated: 2024-10-02. Review status: criteria provided, single submitter. Criteria: Invitae Variant Classification Sherloc (09022015). Collection method: clinical testing. Allele origin: germline.
Comment: This variant, c.1304_1306del, results in the deletion of 1 amino acid(s) of the USP8 protein (p.Pro435del), but otherwise preserves the integrity of the reading frame. This variant is not present in population databases (gnomAD no frequency). This variant has not been reported in the literature in individuals affected with USP8-related conditions. Experimental studies and prediction algorithms are not available or were not evaluated, and the functional significance of this variant is currently unknown. In summary, the available evidence is currently insufficient to determine the role of this variant in disease. Therefore, it has been classified as a Variant of Uncertain Significance.

NM_005154.5(USP8):c.1301CTC[1] (p.Pro435del)

Gene: USP8 (ubiquitin specific peptidase 8; plus strand). Cytogenetic location: 15q21.2.
Variant type: Microsatellite.
Coding change: c.1301CTC[1] on transcript NM_005154.5 (MANE Select); one copy of the 3-base unit CTC starting at c.1301; the reference has two copies in a row; one copy, 3 bases deleted.
Protein change: p.Pro435del; deletes proline 435.
Genome position (GRCh38, 1-based): chr15:50,481,566-50,481,568, CTC deleted; deleting any 3 consecutive bases within chr15:50,481,563-50,481,568 gives the same sequence; the position shown is the placement nearest the transcript's 3' end. VCF-style (leftmost placement, unchanged base first): chr15-50481562-TCTC-T. GRCh37 (hg19) VCF-style: chr15-50773759-TCTC-T.
Other names: c.1301CTC[1], p.Pro435del (NM_001128610.3); c.1070CTC[1], p.Pro358del (NM_001283049.2); short protein forms P358del, P435del.
Identifiers: ClinVar variation 3720027 (VCV003720027.2).